The following is an entry in ClinVar:

ClinVar aggregate classification (germline): Likely benign. Review status: criteria provided, multiple submitters, no conflicts (2 of 4 stars). 3 submissions from 3 submitters: Likely benign (2). 1 of the submissions does not count toward it. Last evaluated 2024-07-23.

Conditions:
Rienhoff syndrome. Also called: LOEYS-DIETZ SYNDROME 5. Identifiers: MedGen C3810012, MONDO:0014262, OMIM 615582.
TGFB3-related disorder. Also called: TGFB3-related condition.
Arrhythmogenic right ventricular dysplasia 1. Identifiers: Orphanet 3403, MedGen C1862511, MONDO:0007152, OMIM 107970.

Submissions (3):

Labcorp Genetics (formerly Invitae), Labcorp
Classification: Likely benign for Rienhoff syndrome. Last evaluated: 2024-07-23. Review status: criteria provided, single submitter. Criteria: Invitae Variant Classification Sherloc (09022015). Collection method: clinical testing. Allele origin: germline.

Fulgent Genetics
Classification: Likely benign for Arrhythmogenic right ventricular dysplasia 1; Rienhoff syndrome. Last evaluated: 2021-09-20. Review status: criteria provided, single submitter. Criteria: ACMG Guidelines, 2015. Collection method: clinical testing. Allele origin: unknown.

PreventionGenetics, part of Exact Sciences
Classification: Likely benign for TGFB3-related condition. Last evaluated: 2022-05-13. Review status: no assertion criteria provided. Collection method: clinical testing. Allele origin: germline. Not counted in ClinVar's aggregate classification.
Comment: This variant is classified as likely benign based on ACMG/AMP sequence variant interpretation guidelines (Richards et al. 2015 PMID: 25741868, with internal and published modifications).

NM_003239.5(TGFB3):c.353-14_353-10del

Gene: TGFB3 (transforming growth factor beta 3; minus strand). Cytogenetic location: 14q24.3.
Variant type: Deletion.
Coding change: c.353-14_353-10del on transcript NM_003239.5 (MANE Select); 14 bases into the intron before coding-DNA position 353 through 10 bases into the intron before coding-DNA position 353, 5 bases deleted (GCTTT; older notation c.353-14_353-10delGCTTT).
Molecular consequence: intron variant.
Genome position (GRCh38, 1-based): chr14:75,971,728-75,971,732, AAAGC deleted on the plus strand (GCTTT on the coding strand, the reverse complement: TGFB3 is on the minus strand); deleting any 5 consecutive bases within chr14:75,971,728-75,971,733 gives the same sequence; the c. name uses the placement nearest the transcript's 3' end. VCF-style (leftmost placement, unchanged base first): chr14-75971727-TAAAGC-T. GRCh37 (hg19) VCF-style: chr14-76438070-TAAAGC-T.
Other names: c.353-14_353-10del (NM_001329939.2, NM_001329938.2); c.353-14_353-10del5 (NM_003239.4).
Identifiers: ClinVar variation 1140861 (VCV001140861.12), dbSNP rs1422599707, ClinGen allele CA615194549.